The following is an entry in ClinVar:

NM_000135.4(FANCA):c.827-7T>G

Gene: FANCA (FA complementation group A; minus strand). Cytogenetic location: 16q24.3.
Variant type: single nucleotide variant.
Coding change: c.827-7T>G on transcript NM_000135.4 (MANE Select); 7 bases into the intron before coding-DNA position 827, T replaced by G.
Molecular consequence: intron variant.
Genome position (GRCh38, 1-based): chr16:89,799,239, A>C on the plus strand (T>G on the coding strand, the complement: FANCA is on the minus strand). VCF-style: chr16-89799239-A-C. GRCh37 (hg19) VCF-style: chr16-89865647-A-C.
Other names: c.827-7T>G (NM_001286167.3, NM_001018112.3); c.731-7T>G (NM_001351830.2).
Identifiers: ClinVar variation 1433322 (VCV001433322.5), dbSNP rs370344285, ClinGen allele CA8252729.

ClinVar aggregate classification (germline): Uncertain significance (1 of 4 stars; one submission).

Conditions:
Fanconi anemia (FA). Also called: Fanconi's anemia. Identifiers: Orphanet 84, MedGen C0015625, MeSH D005199, MONDO:0019391.

Allele frequency attached by ClinVar (database versions not stated): ExAC 0.00001; ESP Exome Variant Server 0.00008; gnomAD exomes below 0.00001.

Submission:

Labcorp Genetics (formerly Invitae), Labcorp
Classification: Uncertain significance for Fanconi anemia. Last evaluated: 2021-09-01. Review status: criteria provided, single submitter. Criteria: Invitae Variant Classification Sherloc (09022015). Collection method: clinical testing. Allele origin: germline.
Comment: This sequence change falls in intron 9 of the FANCA gene. It does not directly change the encoded amino acid sequence of the FANCA protein. This variant is present in population databases (rs370344285, ExAC 0.002%). This variant has not been reported in the literature in individuals affected with FANCA-related conditions. Algorithms developed to predict the effect of sequence changes on RNA splicing suggest that this variant may disrupt the consensus splice site. In summary, the available evidence is currently insufficient to determine the role of this variant in disease. Therefore, it has been classified as a Variant of Uncertain Significance.